The following is an entry in ClinVar:

NM_004415.4(DSP):c.5779C>G (p.Gln1927Glu)

Gene: DSP (desmoplakin; plus strand). Cytogenetic location: 6p24.3.
Variant type: single nucleotide variant.
Coding change: c.5779C>G on transcript NM_004415.4 (MANE Select); coding-DNA position 5779, C replaced by G.
Protein change: p.Gln1927Glu; replaces glutamine 1927 with glutamic acid.
Molecular consequence: missense variant.
Genome position (GRCh38, 1-based): chr6:7,583,041, C>G. VCF-style: chr6-7583041-C-G. GRCh37 (hg19) VCF-style: chr6-7583274-C-G.
Other names: p.Q1927E:CAG>GAG; c.3982C>G, p.Gln1328Glu (NM_001008844.3); c.4450C>G, p.Gln1484Glu (NM_001319034.2); c.5779C>G (NM_004415.3); short protein forms Q1927E, Q1484E, Q1328E.
Identifiers: ClinVar variation 199844 (VCV000199844.24), dbSNP rs794728104, ClinGen allele CA006604.

ClinVar aggregate classification (germline): Uncertain significance. Review status: criteria provided, multiple submitters, no conflicts (2 of 4 stars). 7 submissions from 7 submitters: Uncertain significance (7). Last evaluated 2026-05-10.

Conditions:
Cardiovascular phenotype. Identifiers: MedGen CN230736.
Arrhythmogenic cardiomyopathy with wooly hair and keratoderma. Also called: Dilated cardiomyopathy with woolly hair and keratoderma; Arrhythmogenic cardiomyopathy with woolly hair and keratoderma; PALMOPLANTAR KERATODERMA WITH LEFT VENTRICULAR CARDIOMYOPATHY AND WOOLLY HAIR; Carvajal syndrome. Identifiers: Orphanet 65282, MedGen C1854063, MONDO:0011581, OMIM 605676.
Arrhythmogenic right ventricular dysplasia 8 (ARVD8). Also called: Arrhythmogenic Right Ventricular Dysplasia/Cardiomyopathy 8; ARRHYTHMOGENIC RIGHT VENTRICULAR CARDIOMYOPATHY 8; ARRHYTHMOGENIC RIGHT VENTRICULAR DYSPLASIA, FAMILIAL, 8. Identifiers: MedGen C1843896, MONDO:0011831, OMIM 607450.
Cardiomyopathy (CMYO). Also called: Cardiomyopathies. Identifiers: Orphanet 167848, MedGen C0878544, MONDO:0004994, HP:0001638. Inheritance: Various modes of inheritance.

Allele frequency attached by ClinVar (database versions not stated): gnomAD exomes below 0.00001; TOPMed 0.00002; gnomAD 0.00001.
gnomAD v4.1: 19 of 1,613,898 alleles (0.0012%); highest among the groups gnomAD compares: Admixed American, 0.0017%; no homozygotes.

Submissions (7):

Ambry Genetics
Classification: Uncertain significance for Cardiovascular phenotype. Last evaluated: 2026-05-10. Review status: criteria provided, single submitter. Criteria: Ambry Variant Classification Scheme 2023. Collection method: clinical testing. Allele origin: germline.
Comment: The c.5779C>G (p.Q1927E) alteration is located in exon 24 (coding exon 24) of the DSP gene. This alteration results from a C to G substitution at nucleotide position 5779, causing the glutamine (Q) at amino acid position 1927 to be replaced by a glutamic acid (E). Based on data from gnomAD, the G allele has an overall frequency of <0.001% (1/250848) total alleles studied. The highest observed frequency was 0.001% (1/113288) of European (non-Finnish) alleles. Based on insufficient or conflicting evidence, the clinical significance of this alteration remains unclear.

Color Diagnostics, LLC DBA Color Health
Classification: Uncertain significance for Cardiomyopathy. Last evaluated: 2025-12-26. Review status: criteria provided, single submitter. Criteria: ACMG Guidelines, 2015. Collection method: clinical testing. Allele origin: germline.
Comment: This missense variant replaces glutamine with glutamic acid at codon 1927 of the DSP protein. Computational prediction suggests that this variant may not impact protein structure and function. To our knowledge, functional studies have not been reported for this variant. This variant has not been reported in individuals affected with cardiovascular disorders in the literature. This variant has been identified in 1/250848 chromosomes in the general population by the Genome Aggregation Database (gnomAD). The available evidence is insufficient to determine the role of this variant in disease conclusively. Therefore, this variant is classified as a Variant of Uncertain Significance.

Labcorp Genetics (formerly Invitae), Labcorp
Classification: Uncertain significance for Arrhythmogenic cardiomyopathy with wooly hair and keratoderma; Arrhythmogenic right ventricular dysplasia 8. Last evaluated: 2024-10-06. Review status: criteria provided, single submitter. Criteria: Invitae Variant Classification Sherloc (09022015). Collection method: clinical testing. Allele origin: germline.
Comment: This sequence change replaces glutamine, which is neutral and polar, with glutamic acid, which is acidic and polar, at codon 1927 of the DSP protein (p.Gln1927Glu). This variant is present in population databases (rs794728104, gnomAD 0.0009%). This variant has not been reported in the literature in individuals affected with DSP-related conditions. ClinVar contains an entry for this variant (Variation ID: 199844). An algorithm developed to predict the effect of missense changes on protein structure and function (PolyPhen-2) suggests that this variant¬¨‚Ä†is likely to be tolerated. In summary, the available evidence is currently insufficient to determine the role of this variant in disease. Therefore, it has been classified as a Variant of Uncertain Significance.

All of Us Research Program, National Institutes of Health
Classification: Uncertain significance for Arrhythmogenic cardiomyopathy with wooly hair and keratoderma. Last evaluated: 2024-07-20. Review status: criteria provided, single submitter. Criteria: ACMG Guidelines, 2015. Collection method: clinical testing. Allele origin: germline. Inheritance: Autosomal dominant inheritance. Observed: 10 variant alleles, 10 heterozygotes.
Comment: This missense variant replaces glutamine with glutamic acid at codon 1927 of the DSP protein. Computational prediction suggests that this variant may not impact protein structure and function (internally defined REVEL score threshold <= 0.5, PMID: 27666373). To our knowledge, functional studies have not been reported for this variant. This variant has not been reported in individuals affected with cardiovascular disorders in the literature. This variant has been identified in 1/250848 chromosomes in the general population by the Genome Aggregation Database (gnomAD). The available evidence is insufficient to determine the role of this variant in disease conclusively. Therefore, this variant is classified as a Variant of Uncertain Significance.

This study involves interpretation of variants in research participants for the purpose of population health screening. Participant phenotype was not available at the time of variant classification. Additional details can be found in publication PMID: 35346344, PMCID: PMC8962531

Women's Health and Genetics/Laboratory Corporation of America, LabCorp
Classification: Uncertain significance. Last evaluated: 2023-04-17. Review status: criteria provided, single submitter. Criteria: LabCorp Variant Classification Summary - May 2015. Collection method: clinical testing. Allele origin: germline.

GeneDx
Classification: Uncertain significance. Last evaluated: 2016-08-01. Review status: criteria provided, single submitter. Criteria: GeneDx Variant Classification (06012015). Collection method: clinical testing. Allele origin: germline. Affected: yes.
Comment: A variant of uncertain significance has been identified in the DSP gene. The Q1927E variant has not been publishedas a pathogenic variant, nor has it been reported as a benign variant to our knowledge. However, it has been classifiedin ClinVar as a variant of uncertain significance by another clinical laboratory (ClinVar SCV000271735.1; Landrum etal., 2016). This variantwas not observed in approximately 6,500 individuals of European and African American ancestry in the NHLBIExome Sequencing Project, indicating it is not a common benign variant in these populations. The Q1927E variantis a semi-conservative amino acid substitution, which may impact secondary protein structure as these residues differin some properties. This substitution occurs at a position that is conserved in mammals. However, Glutamic acid isthe wild type amino acid at this position in multiple species. Furthermore, in silico analysis is inconsistent in itspredictions as to whether or not the variant is damaging to the protein structure/function.Therefore, based on the currently available information, it is unclear whether this variant is pathogenic or benign.

Laboratory for Molecular Medicine, Mass General Brigham Personalized Medicine
Classification: Uncertain significance. Last evaluated: 2015-04-08. Review status: criteria provided, single submitter. Criteria: LMM Criteria. Collection method: clinical testing. Allele origin: germline. Observed: 1 variant allele.
Comment: Variant classified as Uncertain Significance - Favor Benign. The p.Gln1927Glu va riant in DSP has not been previously reported in individuals with cardiomyopathy or in large population studies. Glutamine (Gln) at position 1927 is conserved i n mammals but not in evolutionarily distant species and >10 avian species carry a glutamic acid (Glu), raising the possibility that this change may be tolerated . Additional computational prediction tools support that the p.Gln1927Glu varian t may not impact the protein, though this information is not predictive enough t o rule out pathogenicity. In summary, while the clinical significance of the p.G ln1927Glu variant is uncertain, the presence of the variant amino acid in multip le other species suggests that it is more likely to be benign.